The following is an entry in ClinVar:

ClinVar aggregate classification (germline): Uncertain significance. Review status: criteria provided, multiple submitters, no conflicts (2 of 4 stars). 2 submissions from 2 submitters: Uncertain significance (2). Last evaluated 2024-09-30.

Submissions (2):

Women's Health and Genetics/Laboratory Corporation of America, LabCorp
Classification: Uncertain significance. Last evaluated: 2024-09-30. Review status: criteria provided, single submitter. Criteria: LabCorp Variant Classification Summary - May 2015. Collection method: clinical testing. Allele origin: germline.
Comment: Variant summary: KCNA5 c.148G>C (p.Ala50Pro) results in a non-conservative amino acid change in the encoded protein sequence. Two of four in-silico tools predict a benign effect of the variant on protein function. The variant allele was found at a frequency of 1.4e-05 in 147430 control chromosomes (gnomAD). The available data on variant occurrences in the general population are insufficient to allow any conclusion about variant significance. To our knowledge, no occurrence of c.148G>C in individuals affected with Atrial Fibrillation and no experimental evidence demonstrating its impact on protein function have been reported. No submitters have cited clinical-significance assessments for this variant to ClinVar. Based on the evidence outlined above, the variant was classified as uncertain significance.

Blueprint Genetics
Classification: Uncertain significance. Last evaluated: 2018-11-02. Review status: criteria provided, single submitter. Criteria: ACMG Guidelines, 2015. Collection method: clinical testing. Allele origin: germline.

NM_002234.4(KCNA5):c.148G>C (p.Ala50Pro)

Gene: KCNA5 (potassium voltage-gated channel subfamily A member 5; plus strand). Cytogenetic location: 12p13.32.
Variant type: single nucleotide variant.
Coding change: c.148G>C on transcript NM_002234.4 (MANE Select); coding-DNA position 148, G replaced by C.
Protein change: p.Ala50Pro; replaces alanine 50 with proline.
Molecular consequence: missense variant.
Genome position (GRCh38, 1-based): chr12:5,044,295, G>C. VCF-style: chr12-5044295-G-C. GRCh37 (hg19) VCF-style: chr12-5153461-G-C.
Other names: short protein forms A50P.
Identifiers: ClinVar variation 3374767 (VCV003374767.2).